The following is an entry in ClinVar:

NM_001099922.3(ALG13):c.2973+20T>A

Gene: ALG13 (ALG13 UDP-N-acetylglucosaminyltransferase subunit; plus strand). Cytogenetic location: Xq23.
Variant type: single nucleotide variant.
Coding change: c.2973+20T>A on transcript NM_001099922.3 (MANE Select); 20 bases into the intron after coding-DNA position 2973, T replaced by A.
Molecular consequence: intron variant.
Genome position (GRCh38, 1-based): chrX:111,752,850, T>A. VCF-style: chrX-111752850-T-A. GRCh37 (hg19) VCF-style: chrX-110996078-T-A.
Other names: c.2424+20T>A (NM_001257237.2, NM_001257234.2, NM_001257230.2); c.2250+20T>A (NM_001324293.1); c.2739+20T>A (NM_001257231.2); c.2736+20T>A (NM_001324292.2).
Identifiers: ClinVar variation 391160 (VCV000391160.9), dbSNP rs368694871, ClinGen allele CA10494017.

ClinVar aggregate classification (germline): Likely benign. Review status: criteria provided, multiple submitters, no conflicts (2 of 4 stars). 2 submissions from 2 submitters: Likely benign (2). Last evaluated 2023-09-26.

Conditions:
Developmental and epileptic encephalopathy, 36 (DEE36). Also called: Congenital disorder of glycosylation, type Is; Epileptic encephalopathy, early infantile, 36; ALG13-CDG. Identifiers: Orphanet 324422, MedGen C4317295, MONDO:0010472, OMIM 300884.

Allele frequency attached by ClinVar (database versions not stated): ExAC 0.00002; gnomAD 0.00002; TOPMed 0.00003; ESP Exome Variant Server 0.00025; gnomAD exomes 0.00001.
gnomAD v4.1: 2 of 1,162,817 alleles (0.00017%); highest among the groups gnomAD compares: African/African-American, 0.0036%; no homozygotes.

Submissions (2):

Labcorp Genetics (formerly Invitae), Labcorp
Classification: Likely benign for Developmental and epileptic encephalopathy, 36. Last evaluated: 2023-09-26. Review status: criteria provided, single submitter. Criteria: Invitae Variant Classification Sherloc (09022015). Collection method: clinical testing. Allele origin: germline.

GeneDx
Classification: Likely benign. Last evaluated: 2016-11-22. Review status: criteria provided, single submitter. Criteria: GeneDx Variant Classification (06012015). Collection method: clinical testing. Allele origin: germline. Affected: yes.
Comment: This variant is considered likely benign or benign based on one or more of the following criteria: it is a conservative change, it occurs at a poorly conserved position in the protein, it is predicted to be benign by multiple in silico algorithms, and/or has population frequency not consistent with disease.